The following is an entry in ClinVar:

NM_003172.4(SURF1):c.38C>T (p.Ala13Val)

Gene: SURF1 (SURF1 cytochrome c oxidase assembly factor; minus strand). Cytogenetic location: 9q34.2.
Variant type: single nucleotide variant.
Coding change: c.38C>T on transcript NM_003172.4 (MANE Select); coding-DNA position 38, C replaced by T.
Protein change: p.Ala13Val; replaces alanine 13 with valine.
Molecular consequence: missense variant. On other transcripts: 5 prime UTR variant (1).
Genome position (GRCh38, 1-based): chr9:133,356,416, G>A on the plus strand (C>T on the coding strand, the complement: SURF1 is on the minus strand). VCF-style: chr9-133356416-G-A. GRCh37 (hg19) VCF-style: chr9-136223292-G-A.
Other names: c.-238C>T (NM_001280787.1); short protein forms A13V.
Identifiers: ClinVar variation 4767063 (VCV004767063.1).

ClinVar aggregate classification (germline): Uncertain significance (1 of 4 stars; one submission).

Conditions:
Leigh syndrome (NULS). Also called: Leigh's syndrome; LEIGH SYNDROME, NUCLEAR; Leigh Syndrome (mtDNA deletion); Leigh Disease; Subacute necrotizing encephalopathy; Necrotizing encephalopathy infantile subacute of Leigh. Identifiers: Orphanet 506, MedGen C2931891, MONDO:0009723, OMIM 256000.

gnomAD v4.1: 13 of 1,360,552 alleles (0.00096%); highest among the groups gnomAD compares: South Asian, 0.021%; no homozygotes.

Submission:

Labcorp Genetics (formerly Invitae), Labcorp
Classification: Uncertain significance for Leigh syndrome. Last evaluated: 2025-11-02. Review status: criteria provided, single submitter. Criteria: Invitae Variant Classification Sherloc (09022015). Collection method: clinical testing. Allele origin: germline.
Comment: This sequence change replaces alanine, which is neutral and non-polar, with valine, which is neutral and non-polar, at codon 13 of the SURF1 protein (p.Ala13Val). The frequency data for this variant in the population databases is considered unreliable, as metrics indicate poor data quality at this position in the gnomAD database. This variant has not been reported in the literature in individuals affected with SURF1-related conditions. Invitae Evidence Modeling of protein sequence and biophysical properties (such as structural, functional, and spatial information, amino acid conservation, physicochemical variation, residue mobility, and thermodynamic stability) indicates that this missense variant is not expected to disrupt SURF1 protein function with a negative predictive value of 95%. In summary, the available evidence is currently insufficient to determine the role of this variant in disease. Therefore, it has been classified as a Variant of Uncertain Significance.